The following is an entry in ClinVar:

NM_001365536.1(SCN9A):c.515T>C (p.Leu172Pro)

Gene: SCN9A (sodium voltage-gated channel alpha subunit 9; minus strand). Cytogenetic location: 2q24.3.
Variant type: single nucleotide variant.
Coding change: c.515T>C on transcript NM_001365536.1 (MANE Select); coding-DNA position 515, T replaced by C.
Protein change: p.Leu172Pro; replaces leucine 172 with proline.
Molecular consequence: missense variant.
Genome position (GRCh38, 1-based): chr2:166,305,873, A>G on the plus strand (T>C on the coding strand, the complement: SCN9A is on the minus strand). VCF-style: chr2-166305873-A-G. GRCh37 (hg19) VCF-style: chr2-167162383-A-G.
Other names: c.515T>C, p.Leu172Pro (NM_002977.4); short protein forms L172P.
Identifiers: ClinVar variation 1377121 (VCV001377121.6), dbSNP rs2106526316, ClinGen allele CA349095179.

ClinVar aggregate classification (germline): Uncertain significance (1 of 4 stars; one submission).

Conditions:
Generalized epilepsy with febrile seizures plus, type 7 (GEFSP7). Also called: GEFS+, TYPE 7. Identifiers: Orphanet 36387, MedGen C2751778, MONDO:0013470, OMIM 613863.
Neuropathy, hereditary sensory and autonomic, type 2A (HSAN2A). Also called: NEUROPATHY, CONGENITAL SENSORY; NEUROPATHY, HEREDITARY SENSORY RADICULAR, AUTOSOMAL RECESSIVE; NEUROPATHY, HEREDITARY SENSORY, TYPE IIA; NEUROPATHY, PROGRESSIVE SENSORY, OF CHILDREN; HSAN IIA; MORVAN DISEASE. Identifiers: Orphanet 970, MedGen C2752089, MONDO:0024309, OMIM 201300.

Submission:

Labcorp Genetics (formerly Invitae), Labcorp
Classification: Uncertain significance for Neuropathy, hereditary sensory and autonomic, type 2A; Generalized epilepsy with febrile seizures plus, type 7. Last evaluated: 2021-08-23. Review status: criteria provided, single submitter. Criteria: Invitae Variant Classification Sherloc (09022015). Collection method: clinical testing. Allele origin: germline.
Comment: This sequence change replaces leucine with proline at codon 172 of the SCN9A protein (p.Leu172Pro). The leucine residue is moderately conserved and there is a moderate physicochemical difference between leucine and proline. This variant is not present in population databases (ExAC no frequency). This variant has not been reported in the literature in individuals affected with SCN9A-related conditions. Algorithms developed to predict the effect of missense changes on protein structure and function are either unavailable or do not agree on the potential impact of this missense change (SIFT: "Deleterious"; PolyPhen-2: "Possibly Damaging"; Align-GVGD: "Class C0"). In summary, the available evidence is currently insufficient to determine the role of this variant in disease. Therefore, it has been classified as a Variant of Uncertain Significance.